The following is an entry in ClinVar:

NM_004519.4(KCNQ3):c.916G>A (p.Ala306Thr)

Gene: KCNQ3 (potassium voltage-gated channel subfamily Q member 3; minus strand). Cytogenetic location: 8q24.22.
Variant type: single nucleotide variant.
Coding change: c.916G>A on transcript NM_004519.4 (MANE Select); coding-DNA position 916, G replaced by A.
Protein change: p.Ala306Thr; replaces alanine 306 with threonine.
Molecular consequence: missense variant.
Genome position (GRCh38, 1-based): chr8:132,175,470, C>T on the plus strand (G>A on the coding strand, the complement: KCNQ3 is on the minus strand). VCF-style: chr8-132175470-C-T. GRCh37 (hg19) VCF-style: chr8-133187717-C-T.
Other names: c.556G>A, p.Ala186Thr (NM_001204824.2); short protein forms A306T, A186T.
Identifiers: ClinVar variation 659620 (VCV000659620.8), dbSNP rs1586801127, ClinGen allele CA372290327.

ClinVar aggregate classification (germline): Uncertain significance (1 of 4 stars; one submission).

Conditions:
Benign neonatal seizures. Also called: Convulsions benign familial neonatal dominant form; Autosomal dominant form of benign neonatal seizures; Benign familial neonatal seizures; Benign neonatal familial convulsions; Benign familial neonatal epilepsy. Identifiers: Orphanet 1949, MedGen C0220669, MONDO:0016027.

Submission:

Labcorp Genetics (formerly Invitae), Labcorp
Classification: Uncertain significance for Benign neonatal seizures. Last evaluated: 2018-10-13. Review status: criteria provided, single submitter. Criteria: Invitae Variant Classification Sherloc (09022015). Collection method: clinical testing. Allele origin: germline.
Comment: This sequence change replaces alanine with threonine at codon 306 of the KCNQ3 protein (p.Ala306Thr). The alanine residue is highly conserved and there is a small physicochemical difference between alanine and threonine. This variant is not present in population databases (ExAC no frequency). This variant has not been reported in the literature in individuals with KCNQ3-related disease. Algorithms developed to predict the effect of missense changes on protein structure and function (SIFT, PolyPhen-2, Align-GVGD) all suggest that this variant is likely to be disruptive, but these predictions have not been confirmed by published functional studies and their clinical significance is uncertain. In summary, the available evidence is currently insufficient to determine the role of this variant in disease. Therefore, it has been classified as a Variant of Uncertain Significance.